The following is an entry in ClinVar:

NM_001035.3(RYR2):c.13012A>G (p.Thr4338Ala)

Genes: RYR2 (ryanodine receptor 2; plus strand), LOC126806068 (BRD4-independent group 4 enhancer GRCh37_chr1:237947411-237948610; plus strand). Cytogenetic location: 1q43.
Variant type: single nucleotide variant.
Coding change: c.13012A>G on transcript NM_001035.3 (MANE Select); coding-DNA position 13012, A replaced by G.
Protein change: p.Thr4338Ala; replaces threonine 4338 with alanine.
Molecular consequence: missense variant.
Genome position (GRCh38, 1-based): chr1:237,784,724, A>G. VCF-style: chr1-237784724-A-G. GRCh37 (hg19) VCF-style: chr1-237948024-A-G.
Other names: short protein forms T4338A.
Identifiers: ClinVar variation 1769410 (VCV001769410.5), dbSNP rs1695408864, ClinGen allele CA345415009.

ClinVar aggregate classification (germline): Uncertain significance. Review status: criteria provided, multiple submitters, no conflicts (2 of 4 stars). 2 submissions from 2 submitters: Uncertain significance (2). Last evaluated 2023-01-14.

Conditions:
Catecholaminergic polymorphic ventricular tachycardia 1. Also called: VENTRICULAR TACHYCARDIA, CATECHOLAMINERGIC POLYMORPHIC, 1, WITH OR WITHOUT ATRIAL DYSFUNCTION AND/OR DILATED CARDIOMYOPATHY; VENTRICULAR TACHYCARDIA, STRESS-INDUCED POLYMORPHIC 1; RYR2-Related Catecholaminergic Polymorphic Ventricular Tachycardia. Identifiers: Orphanet 3286, MedGen C1631597, MONDO:0011484, OMIM 604772.
Cardiovascular phenotype. Identifiers: MedGen CN230736.

Allele frequency attached by ClinVar (database versions not stated): TOPMed below 0.00001; gnomAD 0.00001.
gnomAD v4.1: 1 of 1,604,726 alleles (0.000062%); highest among the groups gnomAD compares: African/African-American, 0.0013%; no homozygotes.

Submissions (2):

Labcorp Genetics (formerly Invitae), Labcorp
Classification: Uncertain significance for Catecholaminergic polymorphic ventricular tachycardia 1. Last evaluated: 2023-01-14. Review status: criteria provided, single submitter. Criteria: Invitae Variant Classification Sherloc (09022015). Collection method: clinical testing. Allele origin: germline.
Comment: In summary, the available evidence is currently insufficient to determine the role of this variant in disease. Therefore, it has been classified as a Variant of Uncertain Significance. Algorithms developed to predict the effect of missense changes on protein structure and function (SIFT, PolyPhen-2, Align-GVGD) all suggest that this variant is likely to be disruptive. ClinVar contains an entry for this variant (Variation ID: 1769410). This variant has not been reported in the literature in individuals affected with RYR2-related conditions. This variant is not present in population databases (gnomAD no frequency). This sequence change replaces threonine, which is neutral and polar, with alanine, which is neutral and non-polar, at codon 4338 of the RYR2 protein (p.Thr4338Ala).

Ambry Genetics
Classification: Uncertain significance for Cardiovascular phenotype. Last evaluated: 2022-05-31. Review status: criteria provided, single submitter. Criteria: Ambry Variant Classification Scheme 2023. Collection method: clinical testing. Allele origin: germline.
Comment: The p.T4338A variant (also known as c.13012A>G), located in coding exon 90 of the RYR2 gene, results from an A to G substitution at nucleotide position 13012. The threonine at codon 4338 is replaced by alanine, an amino acid with similar properties. This amino acid position is highly conserved in available vertebrate species. In addition, this alteration is predicted to be deleterious by in silico analysis. Since supporting evidence is limited at this time, the clinical significance of this alteration remains unclear.